The following is an entry in ClinVar:

NM_022763.4(FNDC3B):c.1374T>C (p.Gly458=)

Gene: FNDC3B (fibronectin type III domain containing 3B; plus strand). Cytogenetic location: 3q26.31.
Variant type: single nucleotide variant.
Coding change: c.1374T>C on transcript NM_022763.4 (MANE Select); coding-DNA position 1374, T replaced by C.
Protein change: p.Gly458=; no amino-acid change (glycine 458 retained).
Molecular consequence: synonymous variant.
Genome position (GRCh38, 1-based): chr3:172,329,071, T>C. VCF-style: chr3-172329071-T-C. GRCh37 (hg19) VCF-style: chr3-172046861-T-C.
Other names: c.1374T>C, p.Gly458= (NM_001135095.2).
Identifiers: ClinVar variation 3059521 (VCV003059521.2), dbSNP rs2270568, ClinGen allele CA2705659.

ClinVar aggregate classification (germline): Benign (0 of 4 stars; one submission).

Conditions:
FNDC3B-related disorder. Also called: FNDC3B-related condition.

Allele frequency attached by ClinVar (database versions not stated): gnomAD exomes 0.43794; ExAC 0.48812; ESP Exome Variant Server 0.50923; gnomAD 0.51260; TOPMed 0.52056; 1000 Genomes Project 0.57867; 1000 Genomes Project 30x 0.58011.
gnomAD v4.1: 719,153 of 1,611,500 alleles (45%); highest among the groups gnomAD compares: African/African-American, 68%; 165,850 homozygotes.

Submission:

PreventionGenetics, part of Exact Sciences
Classification: Benign for FNDC3B-related condition. Last evaluated: 2019-10-30. Review status: no assertion criteria provided. Collection method: clinical testing. Allele origin: germline.
Comment: This variant is classified as benign based on ACMG/AMP sequence variant interpretation guidelines (Richards et al. 2015 PMID: 25741868, with internal and published modifications).